The following is an entry in ClinVar:

ClinVar aggregate classification (germline): Uncertain significance (1 of 4 stars; one submission).

gnomAD v4.1: 1 of 1,614,112 alleles (0.000062%); highest among the groups gnomAD compares: Non-Finnish European, 0.000085%; no homozygotes.

Submission:

Labcorp Genetics (formerly Invitae), Labcorp
Classification: Uncertain significance. Last evaluated: 2022-01-11. Review status: criteria provided, single submitter. Criteria: Invitae Variant Classification Sherloc (09022015). Collection method: clinical testing. Allele origin: germline.
Comment: This sequence change replaces leucine, which is neutral and non-polar, with phenylalanine, which is neutral and non-polar, at codon 13 of the GABRB1 protein (p.Leu13Phe). This variant is present in population databases (rs763566824, gnomAD 0.0009%). This variant has not been reported in the literature in individuals affected with GABRB1-related conditions. Advanced modeling of protein sequence and biophysical properties (such as structural, functional, and spatial information, amino acid conservation, physicochemical variation, residue mobility, and thermodynamic stability) performed at Invitae indicates that this missense variant is not expected to disrupt GABRB1 protein function. In summary, the available evidence is currently insufficient to determine the role of this variant in disease. Therefore, it has been classified as a Variant of Uncertain Significance.

NM_000812.4(GABRB1):c.37C>T (p.Leu13Phe)

Gene: GABRB1 (gamma-aminobutyric acid type A receptor subunit beta1; plus strand). Cytogenetic location: 4p12.
Variant type: single nucleotide variant.
Coding change: c.37C>T on transcript NM_000812.4 (MANE Select); coding-DNA position 37, C replaced by T.
Protein change: p.Leu13Phe; replaces leucine 13 with phenylalanine.
Molecular consequence: missense variant.
Genome position (GRCh38, 1-based): chr4:47,031,688, C>T. VCF-style: chr4-47031688-C-T. GRCh37 (hg19) VCF-style: chr4-47033705-C-T.
Other names: short protein forms L13F.
Identifiers: ClinVar variation 1951447 (VCV001951447.5), dbSNP rs763566824, ClinGen allele CA2907385.